The following is an entry in ClinVar:

NM_006231.4(POLE):c.1110A>C (p.Pro370=)

Gene: POLE (DNA polymerase epsilon, catalytic subunit; minus strand). Cytogenetic location: 12q24.33.
Variant type: single nucleotide variant.
Coding change: c.1110A>C on transcript NM_006231.4 (MANE Select); coding-DNA position 1110, A replaced by C.
Protein change: p.Pro370=; no amino-acid change (proline 370 retained).
Molecular consequence: synonymous variant.
Genome position (GRCh38, 1-based): chr12:132,675,514, T>G on the plus strand (A>C on the coding strand, the complement: POLE is on the minus strand). VCF-style: chr12-132675514-T-G. GRCh37 (hg19) VCF-style: chr12-133252100-T-G.
Identifiers: ClinVar variation 486119 (VCV000486119.15), dbSNP rs772386963, ClinGen allele CA482849761.

ClinVar aggregate classification (germline): Benign/Likely benign. Review status: criteria provided, multiple submitters, no conflicts (2 of 4 stars). 3 submissions from 3 submitters: Benign (1); Likely benign (2). Last evaluated 2025-02-10.

Conditions:
Hereditary cancer-predisposing syndrome. Also called: Tumor predisposition; Hereditary Cancer Syndrome; Hereditary neoplastic syndrome; Neoplastic Syndromes, Hereditary. Identifiers: Orphanet 140162, MedGen C0027672, MeSH D009386, MONDO:0015356.
Colorectal cancer, susceptibility to, 12 (CRCS12). Also called: COLORECTAL CANCER, SUSCEPTIBILITY TO, ON CHROMOSOME 12q24. Identifiers: Orphanet 220460, MedGen C3554460, MONDO:0014038, OMIM 615083.

Submissions (3):

Myriad Genetics, Inc.
Classification: Benign for Colorectal cancer, susceptibility to, 12. Last evaluated: 2025-02-10. Review status: criteria provided, single submitter. Criteria: Myriad Autosomal Dominant, Autosomal Recessive and X-Linked Classification Criteria (2023). Collection method: clinical testing. Allele origin: unknown.
Comment: This variant is considered benign. This variant is a silent/synonymous amino acid change and it is not expected to impact splicing.

Labcorp Genetics (formerly Invitae), Labcorp
Classification: Likely benign. Last evaluated: 2023-06-10. Review status: criteria provided, single submitter. Criteria: Invitae Variant Classification Sherloc (09022015). Collection method: clinical testing. Allele origin: germline.

Ambry Genetics
Classification: Likely benign for Hereditary cancer-predisposing syndrome. Last evaluated: 2016-09-28. Review status: criteria provided, single submitter. Criteria: Ambry Variant Classification Scheme 2023. Collection method: clinical testing. Allele origin: germline.